The following is an entry in ClinVar:

ClinVar aggregate classification (germline): Uncertain significance (1 of 4 stars; one submission).

Allele frequency attached by ClinVar (database versions not stated): gnomAD exomes 0.00001 and 0.00002; ExAC 0.00002.
gnomAD v4.1: 10 of 1,613,724 alleles (0.00062%); highest among the groups gnomAD compares: Admixed American, 0.0017%; no homozygotes.

Submission:

Labcorp Genetics (formerly Invitae), Labcorp
Classification: Uncertain significance. Last evaluated: 2022-07-19. Review status: criteria provided, single submitter. Criteria: Invitae Variant Classification Sherloc (09022015). Collection method: clinical testing. Allele origin: germline.
Comment: This sequence change replaces valine, which is neutral and non-polar, with isoleucine, which is neutral and non-polar, at codon 511 of the P3H2 protein (p.Val511Ile). This variant is present in population databases (rs756909810, gnomAD 0.003%). This variant has not been reported in the literature in individuals affected with P3H2-related conditions. ClinVar contains an entry for this variant (Variation ID: 837887). Algorithms developed to predict the effect of missense changes on protein structure and function output the following: SIFT: "Deleterious"; PolyPhen-2: "Benign"; Align-GVGD: "Class C0". The isoleucine amino acid residue is found in multiple mammalian species, which suggests that this missense change does not adversely affect protein function. In summary, the available evidence is currently insufficient to determine the role of this variant in disease. Therefore, it has been classified as a Variant of Uncertain Significance.

NM_018192.4(P3H2):c.1531G>A (p.Val511Ile)

Gene: P3H2 (prolyl 3-hydroxylase 2; minus strand). Cytogenetic location: 3q28.
Variant type: single nucleotide variant.
Coding change: c.1531G>A on transcript NM_018192.4 (MANE Select); coding-DNA position 1531, G replaced by A.
Protein change: p.Val511Ile; replaces valine 511 with isoleucine.
Molecular consequence: missense variant.
Genome position (GRCh38, 1-based): chr3:189,973,926, C>T on the plus strand (G>A on the coding strand, the complement: P3H2 is on the minus strand). VCF-style: chr3-189973926-C-T. GRCh37 (hg19) VCF-style: chr3-189691715-C-T.
Other names: c.988G>A, p.Val330Ile (NM_001134418.2); short protein forms V330I, V511I.
Identifiers: ClinVar variation 837887 (VCV000837887.5), dbSNP rs756909810, ClinGen allele CA2752891.